The following is an entry in ClinVar:

NM_006846.4(SPINK5):c.517C>T (p.Leu173Phe)

Gene: SPINK5 (serine peptidase inhibitor Kazal type 5; plus strand). Cytogenetic location: 5q32.
Variant type: single nucleotide variant.
Coding change: c.517C>T on transcript NM_006846.4 (MANE Select); coding-DNA position 517, C replaced by T.
Protein change: p.Leu173Phe; replaces leucine 173 with phenylalanine.
Molecular consequence: missense variant.
Genome position (GRCh38, 1-based): chr5:148,089,536, C>T. VCF-style: chr5-148089536-C-T. GRCh37 (hg19) VCF-style: chr5-147469099-C-T.
Other names: c.517C>T, p.Leu173Phe (NM_001127698.2, NM_001127699.2); short protein forms L173F.
Identifiers: ClinVar variation 1979851 (VCV001979851.4), dbSNP rs2531690382, ClinGen allele CA361890364.

ClinVar aggregate classification (germline): Uncertain significance (1 of 4 stars; one submission).

Conditions:
Ichthyosis linearis circumflexa. Identifiers: MedGen C0265962, MONDO:0043106, HP:0025810.

Submission:

Labcorp Genetics (formerly Invitae), Labcorp
Classification: Uncertain significance for Ichthyosis linearis circumflexa. Last evaluated: 2022-06-18. Review status: criteria provided, single submitter. Criteria: Invitae Variant Classification Sherloc (09022015). Collection method: clinical testing. Allele origin: germline.
Comment: In summary, the available evidence is currently insufficient to determine the role of this variant in disease. Therefore, it has been classified as a Variant of Uncertain Significance. Algorithms developed to predict the effect of missense changes on protein structure and function are either unavailable or do not agree on the potential impact of this missense change (SIFT: "Deleterious"; PolyPhen-2: "Probably Damaging"; Align-GVGD: "Class C0"). This variant has not been reported in the literature in individuals affected with SPINK5-related conditions. This variant is not present in population databases (gnomAD no frequency). This sequence change replaces leucine, which is neutral and non-polar, with phenylalanine, which is neutral and non-polar, at codon 173 of the SPINK5 protein (p.Leu173Phe).